The following is an entry in ClinVar:

NM_001033044.4(GLUL):c.-43G>C

Genes: GLUL (glutamate-ammonia ligase; minus strand), LOC129932057 (ATAC-STARR-seq lymphoblastoid silent region 1618; plus strand). Cytogenetic location: 1q25.3.
Variant type: single nucleotide variant.
Coding change: c.-43G>C on transcript NM_001033044.4 (MANE Select); 43 bases upstream of the start codon, G replaced by C.
Molecular consequence: 5 prime UTR variant.
Genome position (GRCh38, 1-based): chr1:182,391,708, C>G on the plus strand (G>C on the coding strand, the complement: GLUL is on the minus strand). VCF-style: chr1-182391708-C-G. GRCh37 (hg19) VCF-style: chr1-182360843-C-G.
Other names: c.-399G>C (NM_002065.7).
Identifiers: ClinVar variation 293962 (VCV000293962.6), dbSNP rs912901, ClinGen allele CA10608870.

ClinVar aggregate classification (germline): Benign. Review status: criteria provided, multiple submitters, no conflicts (2 of 4 stars). 2 submissions from 2 submitters: Benign (2). Last evaluated 2018-01-13.

Conditions:
Congenital brain dysgenesis due to glutamine synthetase deficiency (GLND). Also called: GLUTAMINE SYNTHASE DEFICIENCY, CONGENITAL SYSTEMIC. Identifiers: Orphanet 71278, MedGen C1864910, MONDO:0012393, OMIM 610015.

Allele frequency attached by ClinVar (database versions not stated): 1000 Genomes Project 30x 0.85962; gnomAD exomes 0.81707; TOPMed 0.84939; 1000 Genomes Project 0.85743; gnomAD 0.84379 and 0.84236.
gnomAD v4.1: 129,239 of 153,614 alleles (84%); highest among the groups gnomAD compares: African/African-American, 94%; 54,650 homozygotes.

Submissions (2):

Illumina Laboratory Services, Illumina
Classification: Benign for Congenital brain dysgenesis due to glutamine synthetase deficiency. Last evaluated: 2018-01-13. Review status: criteria provided, single submitter. Criteria: ICSL Variant Classification Criteria 13 December 2019. Collection method: clinical testing. Allele origin: germline.
Comment: This variant was observed in the ICSL laboratory as part of a predisposition screen in an ostensibly healthy population. It had not been previously curated by ICSL or reported in the Human Gene Mutation Database (HGMD: prior to June 1st, 2018), and was therefore a candidate for classification through an automated scoring system. Utilizing variant allele frequency, disease prevalence and penetrance estimates, and inheritance mode, an automated score was calculated to assess if this variant is too frequent to cause the disease. Based on the score and internal cut-off values, a variant classified as benign is not then subjected to further curation. The score for this variant resulted in a classification of benign for this disease.

Breakthrough Genomics
Classification: Benign. Review status: criteria provided, single submitter. Criteria: ACMG Guidelines, 2015. Collection method: not provided. Allele origin: germline. Inheritance: Autosomal recessive inheritance. Affected: yes.